The following is an entry in ClinVar:

NM_021072.4(HCN1):c.2237C>T (p.Thr746Ile)

Gene: HCN1 (hyperpolarization activated cyclic nucleotide gated potassium channel 1; minus strand). Cytogenetic location: 5p12.
Variant type: single nucleotide variant.
Coding change: c.2237C>T on transcript NM_021072.4 (MANE Select); coding-DNA position 2237, C replaced by T.
Protein change: p.Thr746Ile; replaces threonine 746 with isoleucine.
Molecular consequence: missense variant.
Genome position (GRCh38, 1-based): chr5:45,262,357, G>A on the plus strand (C>T on the coding strand, the complement: HCN1 is on the minus strand). VCF-style: chr5-45262357-G-A. GRCh37 (hg19) VCF-style: chr5-45262459-G-A.
Other names: short protein forms T746I.
Identifiers: ClinVar variation 1941999 (VCV001941999.5), dbSNP rs1306386314, ClinGen allele CA359703755.
Genomic context (GRCh38, chr5:45,262,357, plus strand): 5'-TCATTTTTCGGCGTGGAGCTGCCAGGTGTCTGTGGCTGCGGGGACGGCTGCTGTGGCTGA[G>A]TCTGCGGCGGCTGGGACTGCTGTACCTGCTGCTGCGGCTGCTGTTGCATGAGTGACAGCT-3'
Protein context (NP_066550.2, residues 736-756): QQVQQSQPPQ[Thr746Ile]QPQQPSPQPQ

ClinVar aggregate classification (germline): Uncertain significance (1 of 4 stars; one submission).

Conditions:
Early-infantile DEE. Also called: Early infantile epileptic encephalopathy; Ohtahara syndrome; Early infantile epileptic encephalopathy with suppression bursts. Identifiers: Orphanet 1934, MedGen C0393706, MONDO:0800491.

Allele frequency attached by ClinVar (database versions not stated): gnomAD exomes below 0.00001.
gnomAD v4.1: 3 of 1,612,838 alleles (0.00019%); highest among the groups gnomAD compares: Non-Finnish European, 0.00017%; no homozygotes.

Submission:

Labcorp Genetics (formerly Invitae), Labcorp
Classification: Uncertain significance for Early-infantile DEE. Last evaluated: 2022-12-13. Review status: criteria provided, single submitter. Criteria: Invitae Variant Classification Sherloc (09022015). Collection method: clinical testing. Allele origin: germline.
Comment: In summary, the available evidence is currently insufficient to determine the role of this variant in disease. Therefore, it has been classified as a Variant of Uncertain Significance. Advanced modeling of protein sequence and biophysical properties (such as structural, functional, and spatial information, amino acid conservation, physicochemical variation, residue mobility, and thermodynamic stability) performed at Invitae indicates that this missense variant is not expected to disrupt HCN1 protein function. This variant has not been reported in the literature in individuals affected with HCN1-related conditions. This variant is present in population databases (no rsID available, gnomAD 0.0009%). This sequence change replaces threonine, which is neutral and polar, with isoleucine, which is neutral and non-polar, at codon 746 of the HCN1 protein (p.Thr746Ile).